The following is an entry in ClinVar:

ClinVar aggregate classification (germline): Uncertain significance. Review status: criteria provided, multiple submitters, no conflicts (2 of 4 stars). 2 submissions from 2 submitters: Uncertain significance (2). Last evaluated 2025-07-06.

Conditions:
Renal cell carcinoma. Identifiers: Orphanet 217071, MedGen C0007134, MeSH D002292, MONDO:0005086, HP:0005584.
Hereditary cancer-predisposing syndrome. Also called: Hereditary Cancer Syndrome; Hereditary neoplastic syndrome; Tumor predisposition; Neoplastic Syndromes, Hereditary. Identifiers: Orphanet 140162, MedGen C0027672, MeSH D009386, MONDO:0015356.

Submissions (2):

Ambry Genetics
Classification: Uncertain significance for Hereditary cancer-predisposing syndrome. Last evaluated: 2025-07-06. Review status: criteria provided, single submitter. Criteria: Ambry Variant Classification Scheme 2023. Collection method: clinical testing. Allele origin: germline.
Comment: The p.F196L variant (also known as c.586T>C), located in coding exon 1 of the MET gene, results from a T to C substitution at nucleotide position 586. The phenylalanine at codon 196 is replaced by leucine, an amino acid with highly similar properties. This amino acid position is conserved. In addition, the in silico prediction for this alteration is inconclusive. Based on the available evidence, the clinical significance of this variant remains unclear.

Labcorp Genetics (formerly Invitae), Labcorp
Classification: Uncertain significance for Renal cell carcinoma. Last evaluated: 2022-11-23. Review status: criteria provided, single submitter. Criteria: Invitae Variant Classification Sherloc (09022015). Collection method: clinical testing. Allele origin: germline.
Comment: This sequence change replaces phenylalanine, which is neutral and non-polar, with leucine, which is neutral and non-polar, at codon 196 of the MET protein (p.Phe196Leu). In summary, the available evidence is currently insufficient to determine the role of this variant in disease. Therefore, it has been classified as a Variant of Uncertain Significance. Advanced modeling of protein sequence and biophysical properties (such as structural, functional, and spatial information, amino acid conservation, physicochemical variation, residue mobility, and thermodynamic stability) performed at Invitae indicates that this missense variant is not expected to disrupt MET protein function. This variant has not been reported in the literature in individuals affected with MET-related conditions. This variant is not present in population databases (gnomAD no frequency).

NM_000245.4(MET):c.586T>C (p.Phe196Leu)

Gene: MET (MET proto-oncogene, receptor tyrosine kinase; plus strand). Cytogenetic location: 7q31.2.
Variant type: single nucleotide variant.
Coding change: c.586T>C on transcript NM_000245.4 (MANE Select); coding-DNA position 586, T replaced by C.
Protein change: p.Phe196Leu; replaces phenylalanine 196 with leucine.
Molecular consequence: missense variant. On other transcripts: intron variant (1).
Genome position (GRCh38, 1-based): chr7:116,699,670, T>C. VCF-style: chr7-116699670-T-C. GRCh37 (hg19) VCF-style: chr7-116339724-T-C.
Other names: c.586T>C, p.Phe196Leu (NM_001127500.3, NM_001324401.3); c.-91+27093T>C (NM_001324402.2); short protein forms F196L.
Identifiers: ClinVar variation 2903179 (VCV002903179.4), dbSNP rs2116592621, ClinGen allele CA368969403.